The following is an entry in ClinVar:

NM_003896.4(ST3GAL5):c.424C>T (p.Leu142Phe)

Gene: ST3GAL5 (ST3 beta-galactoside alpha-2,3-sialyltransferase 5; minus strand). Cytogenetic location: 2p11.2.
Variant type: single nucleotide variant.
Coding change: c.424C>T on transcript NM_003896.4 (MANE Select); coding-DNA position 424, C replaced by T.
Protein change: p.Leu142Phe; replaces leucine 142 with phenylalanine.
Molecular consequence: missense variant. On other transcripts: 5 prime UTR variant (1).
Genome position (GRCh38, 1-based): chr2:85,848,099, G>A on the plus strand (C>T on the coding strand, the complement: ST3GAL5 is on the minus strand). VCF-style: chr2-85848099-G-A. GRCh37 (hg19) VCF-style: chr2-86075222-G-A.
Other names: c.355C>T, p.Leu119Phe (NM_001042437.2); c.40C>T, p.Leu14Phe (NM_001354223.2, NM_001354224.2, NM_001354226.2 and 3 more transcripts); c.340C>T, p.Leu114Phe (NM_001354227.2, NM_001354229.2, NM_001354238.1); c.-481C>T (NM_001354247.1); c.424C>T, p.Leu142Phe (NM_001363847.1); short protein forms L142F, L14F, L114F, L119F.
Identifiers: ClinVar variation 1506147 (VCV001506147.3), dbSNP rs762954685, ClinGen allele CA347532642.

ClinVar aggregate classification (germline): Uncertain significance (1 of 4 stars; one submission).

Conditions:
GM3 synthase deficiency (SPDRS). Also called: SALT AND PEPPER DEVELOPMENTAL REGRESSION SYNDROME; SALT AND PEPPER MENTAL RETARDATION SYNDROME; AMISH INFANTILE EPILEPSY SYNDROME. Identifiers: Orphanet 171714, Orphanet 370933, MedGen C1836824, MONDO:0018274, OMIM 609056.

gnomAD v4.1: 2 of 1,614,200 alleles (0.00012%); highest among the groups gnomAD compares: South Asian, 0.0011%; no homozygotes.

Submission:

Labcorp Genetics (formerly Invitae), Labcorp
Classification: Uncertain significance for GM3 synthase deficiency. Last evaluated: 2021-11-02. Review status: criteria provided, single submitter. Criteria: Invitae Variant Classification Sherloc (09022015). Collection method: clinical testing. Allele origin: germline.
Comment: This sequence change replaces leucine, which is neutral and non-polar, with phenylalanine, which is neutral and non-polar, at codon 142 of the ST3GAL5 protein (p.Leu142Phe). This variant is not present in population databases (gnomAD no frequency). This variant has not been reported in the literature in individuals affected with ST3GAL5-related conditions. Algorithms developed to predict the effect of missense changes on protein structure and function (SIFT, PolyPhen-2, Align-GVGD) all suggest that this variant is likely to be tolerated. In summary, the available evidence is currently insufficient to determine the role of this variant in disease. Therefore, it has been classified as a Variant of Uncertain Significance.